The following is an entry in ClinVar:

ClinVar aggregate classification (germline): Conflicting classifications of pathogenicity. Review status: criteria provided, conflicting classifications (1 of 4 stars). 12 submissions from 12 submitters: Uncertain significance (5); Benign (3); Likely benign (2). 2 of the submissions do not count toward it. Last evaluated 2025-12-11.

Conditions:
Monogenic diabetes. Identifiers: Orphanet 183625, MedGen C3888631, MONDO:0015967.
Type 2 diabetes mellitus. Also called: Type II diabetes mellitus. Identifiers: MedGen C0011860, MeSH D003924, MONDO:0005148, OMIM 125853, HP:0005978.
Maturity-onset diabetes of the young type 4 (MODY4). Also called: MODY, type IV; Maturity-onset diabetes of the young, type IV. Identifiers: Orphanet 552, MedGen C1833382, MONDO:0011667, OMIM 606392.
Maturity-onset diabetes of the young (MODY). Also called: Maturity onset diabetes mellitus in young. Identifiers: Orphanet 552, MedGen C0342276, MONDO:0018911, HP:0004904.

Allele frequency attached by ClinVar (database versions not stated): gnomAD below 0.00001 and 0.00031; gnomAD exomes 0.00129; ExAC 0.00211; 1000 Genomes Project 30x 0.00250; 1000 Genomes Project 0.00319; TOPMed 0.00007.
gnomAD v4.1: 817 of 1,607,848 alleles (0.051%); highest among the groups gnomAD compares: South Asian, 0.86%; 7 homozygotes.

Submissions (12):

Labcorp Genetics (formerly Invitae), Labcorp
Classification: Benign. Last evaluated: 2025-12-11. Review status: criteria provided, single submitter. Criteria: Invitae Variant Classification Sherloc (09022015). Collection method: clinical testing. Allele origin: germline.

Athena Diagnostics
Classification: Likely benign. Last evaluated: 2024-01-15. Review status: criteria provided, single submitter. Criteria: Athena Diagnostics Criteria. Collection method: clinical testing. Allele origin: unknown.

Neuberg Centre For Genomic Medicine, NCGM
Classification: Uncertain significance for Type 2 diabetes mellitus. Last evaluated: 2023-06-22. Review status: criteria provided, single submitter. Criteria: ACMG Guidelines, 2015. Collection method: clinical testing. Allele origin: germline. Inheritance: Autosomal dominant inheritance. Affected: yes.
Comment: The observed missense c.670G>A(p.Glu224Lys) variant in PDX1 gene has not been reported previously as a pathogenic variant nor as a benign variant, to our knowledge. This variant is present with an allele frequency of 0.1% in gnomAD Exomes database. This variant has been reported to the ClinVar database as Benign/ Likely Benign/ Uncertain Significance. This variant is found as benign polymorphism primarily in populations of South Asian origin. However, these reports do not provide unequivocal conclusions about association of the variant with disease due to limited genotyping analysis or due to limited/inconclusive segregation data (Doddabelavangala Mruthyunjaya M, et. al., 2017;Chapla A, et. al., 2015). Computational evidence (Polyphen - Possibly damaging, SIFT - Tolerated and MutationTaster -Disease causing) predicts conflicting evidence on protein structure and function for this variant. The reference amino acid in PDX1 is predicted as conserved by GERP++ and PhyloP across 100 vertebrates. The amino acid Glu at position 224 is changed to a Lys changing protein sequence and it might alter its composition and physico-chemical properties. For these reasons, this variant has been classified as Uncertain Significance (VUS).

Women's Health and Genetics/Laboratory Corporation of America, LabCorp
Classification: Uncertain significance. Last evaluated: 2022-10-28. Review status: criteria provided, single submitter. Criteria: LabCorp Variant Classification Summary - May 2015. Collection method: clinical testing. Allele origin: germline.
Comment: Variant summary: PDX1 c.670G>A (p.Glu224Lys) results in a conservative amino acid change in the encoded protein sequence. Three of five in-silico tools predict a benign effect of the variant on protein function. The variant allele was found at a frequency of 0.0013 in 236358 control chromosomes, predominantly at a frequency of 0.01 within the South Asian subpopulation in the gnomAD database, including 3 homozygotes. The observed variant frequency within South Asian control individuals in the gnomAD database is approximately 8000-fold of the estimated maximal expected allele frequency for a pathogenic variant in PDX1 causing Familial Monogenic Diabetes (Maturity Onset Diabetes Of The Young 4)/Neonatal Diabetes Mellitus phenotype (1.3e-06), strongly suggesting that the variant is a benign polymorphism found primarily in populations of South Asian origin. Nevertheless, c.670G>A has been reported in the literature in multiple individuals of Indian origin affected with Familial Monogenic Diabetes (Maturity Onset Diabetes Of The Young 4)/Neonatal Diabetes Mellitus (Cockburn_2004, Chapla_2015, Doddabelavangala_2017). However, these reports do not provide unequivocal conclusions about association of the variant with disease due to limited genotyping analysis or due to limited/inconclusive segregation data. One study carried out a comprehensive genomic analysis of 289 individuals from India, and concluded the variant to occur at a similar frequency in MODY cases and in the general population (Mohan_2018). Experimental evidence evaluating an impact on protein function demonstrated the variant affects PDX1 transactivation (Cockburn_2004, Liu_2006). Three ClinVar submitters (evaluation after 2014) cite the variant as benign/likely benign and one ClinVar submitter (evaluation after 2014) cites it as uncertain significance. Based on the evidence outlined above, the variant was classified as uncertain significance.

GeneDx
Classification: Uncertain significance. Last evaluated: 2022-09-28. Review status: criteria provided, single submitter. Criteria: GeneDx Variant Classification Process June 2021. Collection method: clinical testing. Allele origin: germline. Affected: yes.
Comment: Published functional studies demonstrate a reduction in PDX1 transactivation, suggesting normal glucose homeostasis may be affected (Liu et al., 2006; Cockburn et al., 2004); In silico analysis, which includes protein predictors and evolutionary conservation, supports that this variant does not alter protein structure/function; This variant is associated with the following publications: (PMID: 28095440, 16092045, 28862987, 27535533, 25581748, 28436541, 18360684, 31127050, 17126328, 25041077, 14764823, 22581228, 31366392, 29439679, 29473506, 34426522, 34741762, 32763092)

New York Genome Center
Classification: Uncertain significance for Type 2 diabetes mellitus; Maturity-onset diabetes of the young type 4. Last evaluated: 2021-12-20. Review status: criteria provided, single submitter. Criteria: NYGC Assertion Criteria 2020. Collection method: clinical testing. Allele origin: germline. Observed: 1 heterozygote.

Mendelics
Classification: Benign for Maturity-onset diabetes of the young type 4. Last evaluated: 2019-05-28. Review status: criteria provided, single submitter. Criteria: Mendelics Assertion Criteria 2017. Collection method: clinical testing. Allele origin: unknown.

Ambry Genetics
Classification: Likely benign for Maturity-onset diabetes of the young. Last evaluated: 2018-08-10. Review status: criteria provided, single submitter. Criteria: Ambry Variant Classification Scheme 2023. Collection method: clinical testing. Allele origin: germline.

Personalized Diabetes Medicine Program, University of Maryland School of Medicine
Classification: Benign for Monogenic diabetes. Last evaluated: 2016-07-19. Review status: criteria provided, single submitter. Criteria: ACMG Guidelines, 2015. Collection method: research. Allele origin: unknown. Observed: 1 variant allele, 1 heterozygote.
Comment: ACMG Criteria: PS3 (PMID:17126328,14764823), PP3, BS1 (1000G SAS), BS2, BP4

Broad Center for Mendelian Genomics, Broad Institute of MIT and Harvard
Classification: Uncertain significance for Type 2 diabetes mellitus. Review status: criteria provided, single submitter. Criteria: ACMG Guidelines, 2015. Collection method: research. Allele origin: germline. Inheritance: Autosomal dominant inheritance. Affected: yes.
Comment: The heterozygous p.Glu224Lys variant in PDX1 has been identified in at least 2 individuals with type 2 diabetes mellitus (PMID: 14764823), but has also been identified in >1% of South Asian chromosomes and 4 homozygotes by ExAC. In vitro functional studies provide some evidence that the p.Glu224Lys variant may slightly impact protein function (PMID: 14764823). However, these types of assays may not accurately represent biological function. In summary, the clinical significance of this variant is uncertain.

Genetic Services Laboratory, University of Chicago
Classification: Likely benign. Last evaluated: 2022-07-11. Review status: no assertion criteria provided. Collection method: clinical testing. Allele origin: germline. Affected: no. Not counted in ClinVar's aggregate classification.
Comment: DNA sequence analysis of the PDX1 gene demonstrated a sequence change, c.670G>A, in exon 2 that results in an amino acid change, p.Glu224Lys. This sequence change has been previously identified in the heterozygous state in individuals with diabetes (PMID: 14764823, 28095440). In vitro functional studies have indicated that this variant may reduce transactivation potential of IPF-1 (PMID: 17126328). This sequence change has been described in the gnomAD database with a frequency of 0.996% in the South Asian subpopulation (dbSNP rs137852787). The p.Glu224Lys change affects a highly conserved amino acid residue located in a domain of the PDX1 protein that is not known to be functional. In-silico pathogenicity prediction tools (SIFT, PolyPhen2, Align GVGD, REVEL) provide contradictory results for the p.Glu224Lys substitution. Due to the high population frequency, insufficient evidences, and the lack of functional studies, the clinical significance of the p.Glu224Lys change remains unknown at this time.

OMIM
Classification: Uncertain significance for RECLASSIFIED - VARIANT OF UNKNOWN SIGNIFICANCE. Last evaluated: 2004-02-01. Review status: no assertion criteria provided. Collection method: literature only. Allele origin: germline. Not counted in ClinVar's aggregate classification.

Literature cited by the submitters: PubMed 29439679 (cited by 3 submitters); PubMed 27535533 (cited by 3 submitters); PubMed 28095440 (cited by 3 submitters); PubMed 14764823 (cited by 6 submitters); PubMed 17126328 (cited by 4 submitters); PubMed 25041077 (cited by 3 submitters).

NM_000209.4(PDX1):c.670G>A (p.Glu224Lys)

Gene: PDX1 (pancreatic and duodenal homeobox 1; plus strand). Cytogenetic location: 13q12.2.
Variant type: single nucleotide variant.
Coding change: c.670G>A on transcript NM_000209.4 (MANE Select); coding-DNA position 670, G replaced by A.
Protein change: p.Glu224Lys; replaces glutamic acid 224 with lysine.
Molecular consequence: missense variant.
Genome position (GRCh38, 1-based): chr13:27,924,519, G>A. VCF-style: chr13-27924519-G-A. GRCh37 (hg19) VCF-style: chr13-28498656-G-A.
Other names: short protein forms E224K.
Identifiers: ClinVar variation 8863 (VCV000008863.24), dbSNP rs137852787, ClinGen allele CA119971.